The following is an entry in ClinVar:

NM_138713.4(NFAT5):c.3837_3848del (p.Gln1281_Gln1284del)

Gene: NFAT5 (nuclear factor of activated T cells 5; plus strand). Cytogenetic location: 16q22.1.
Variant type: Deletion.
Coding change: c.3837_3848del on transcript NM_138713.4 (MANE Select); coding-DNA positions 3837 to 3848, 12 bases deleted (GCAGCAACAACA).
Protein change: p.Gln1281_Gln1284del.
Molecular consequence: inframe deletion.
Genome position (GRCh38, 1-based): chr16:69,693,662-69,693,673, GCAGCAACAACA deleted; deleting any 12 consecutive bases within chr16:69,693,660-69,693,673 gives the same sequence; the c. name uses the placement nearest the transcript's 3' end. VCF-style (leftmost placement, unchanged base first): chr16-69693659-GCAGCAGCAACAA-G. GRCh37 (hg19) VCF-style: chr16-69727562-GCAGCAGCAACAA-G.
Other names: c.3834_3845del, p.Gln1280_Gln1283del (NM_001113178.3); c.3162_3173del, p.Gln1056_Gln1059del (NM_001367709.1); c.3783_3794del, p.Gln1263_Gln1266del (NM_006599.4); c.3555_3566del, p.Gln1187_Gln1190del (NM_138714.4, NM_173214.3, NM_173215.3).
Identifiers: ClinVar variation 853327 (VCV000853327.9), dbSNP rs749246961, ClinGen allele CA8135964.
Genomic context (GRCh38, chr16:69,693,659, plus strand): 5'-CATGCAGAGTAACTCTCCATCCCAGGAACAGCAGCAGCAGCAGCAACAGCAGCAGCAACA[GCAGCAGCAACAA>G]CAACAGAGCATTTTATTCAGTAATCAGAATACCATGGCTACAATGGCGTCTCCAAAGCAA-3'

ClinVar aggregate classification (germline): Uncertain significance (1 of 4 stars; one submission).

Conditions:
Immunodeficiency. Identifiers: MedGen C0021051, MONDO:0021094, HP:0002721.

Submission:

Labcorp Genetics (formerly Invitae), Labcorp
Classification: Uncertain significance for Immunodeficiency. Last evaluated: 2025-11-27. Review status: criteria provided, single submitter. Criteria: Invitae Variant Classification Sherloc (09022015). Collection method: clinical testing. Allele origin: germline.
Comment: This variant, c.3555_3566del, results in the deletion of 4 amino acid(s) of the NFAT5 protein (p.Gln1187_Gln1190del), but otherwise preserves the integrity of the reading frame. The frequency data for this variant in the population databases is considered unreliable, as metrics indicate poor data quality at this position in the gnomAD database. This variant has not been reported in the literature in individuals affected with NFAT5-related conditions. ClinVar contains an entry for this variant (Variation ID: 853327). Experimental studies and prediction algorithms are not available or were not evaluated, and the functional significance of this variant is currently unknown. In summary, the available evidence is currently insufficient to determine the role of this variant in disease. Therefore, it has been classified as a Variant of Uncertain Significance.